The following is an entry in ClinVar:

ClinVar aggregate classification (germline): Uncertain significance (1 of 4 stars; one submission).

Conditions:
RASopathy. Also called: Noonan spectrum disorder; rasopathies. Identifiers: Orphanet 536391, MedGen C5555857, MONDO:0021060.

Allele frequency attached by ClinVar (database versions not stated): gnomAD exomes below 0.00001; TOPMed below 0.00001; ExAC 0.00002.
gnomAD v4.1: 2 of 1,614,176 alleles (0.00012%); highest among the groups gnomAD compares: Non-Finnish European, 0.00017%; no homozygotes.

Submission:

Labcorp Genetics (formerly Invitae), Labcorp
Classification: Uncertain significance for RASopathy. Last evaluated: 2023-08-04. Review status: criteria provided, single submitter. Criteria: Invitae Variant Classification Sherloc (09022015). Collection method: clinical testing. Allele origin: germline.
Comment: In summary, the available evidence is currently insufficient to determine the role of this variant in disease. Therefore, it has been classified as a Variant of Uncertain Significance. Advanced modeling of protein sequence and biophysical properties (such as structural, functional, and spatial information, amino acid conservation, physicochemical variation, residue mobility, and thermodynamic stability) performed at Invitae indicates that this missense variant is not expected to disrupt BRAF protein function. This variant has not been reported in the literature in individuals affected with BRAF-related conditions. This variant is present in population databases (rs774083294, gnomAD 0.002%). This sequence change replaces glutamine, which is neutral and polar, with arginine, which is basic and polar, at codon 139 of the BRAF protein (p.Gln139Arg).

NM_004333.6(BRAF):c.416A>G (p.Gln139Arg)

Gene: BRAF (B-Raf proto-oncogene, serine/threonine kinase; minus strand). Cytogenetic location: 7q34.
Variant type: single nucleotide variant.
Coding change: c.416A>G on transcript NM_004333.6 (MANE Select); coding-DNA position 416, A replaced by G.
Protein change: p.Gln139Arg; replaces glutamine 139 with arginine.
Molecular consequence: missense variant. On other transcripts: intron variant (1).
Genome position (GRCh38, 1-based): chr7:140,834,697, T>C on the plus strand (A>G on the coding strand, the complement: BRAF is on the minus strand). VCF-style: chr7-140834697-T-C. GRCh37 (hg19) VCF-style: chr7-140534497-T-C.
Other names: c.416A>G, p.Gln139Arg (NM_001354609.2, NM_001374244.1, NM_001374258.1 and 5 more transcripts); c.314A>G, p.Gln105Arg (NM_001378470.1); c.260A>G, p.Gln87Arg (NM_001378472.1, NM_001378473.1); c.240+15414A>G (NM_001378475.1); short protein forms Q105R, Q87R, Q139R.
Identifiers: ClinVar variation 2883341 (VCV002883341.3), dbSNP rs774083294, ClinGen allele CA4516977.
Genomic context (GRCh38, chr7:140,834,697, plus strand): 5'-ACTCTAACGATAGGTTTTTGTGGTGACTTGGGGTTGCTCCGTGCCACATCTGTGGGATTT[T>C]GAAAAACTGAAAGAGATGAAGGTAGCACTGAAAGGCTAGAAGAGGAAGAAGATGTAACGG-3'
Protein context (NP_004324.2, residues 129-149): SVLPSSLSVF[Gln139Arg]NPTDVARSNP